The following is an entry in ClinVar:

NM_005220.3(DLX3):c.19C>G (p.Arg7Gly)

Gene: DLX3 (distal-less homeobox 3; minus strand). Cytogenetic location: 17q21.33.
Variant type: single nucleotide variant.
Coding change: c.19C>G on transcript NM_005220.3 (MANE Select); coding-DNA position 19, C replaced by G.
Protein change: p.Arg7Gly; replaces arginine 7 with glycine.
Molecular consequence: missense variant.
Genome position (GRCh38, 1-based): chr17:49,994,980, G>C on the plus strand (C>G on the coding strand, the complement: DLX3 is on the minus strand). VCF-style: chr17-49994980-G-C. GRCh37 (hg19) VCF-style: chr17-48072344-G-C.
Other names: c.19C>G (NM_005220.2); short protein forms R7G.
Identifiers: ClinVar variation 1940527 (VCV001940527.7), dbSNP rs759271131, ClinGen allele CA8641125.
Genomic context (GRCh38, chr17:49,994,980, plus strand): 5'-TGGAGCCCGCATGGCAGCTAAGGGAGCTGGAGATGTCGGTGAGGATGCTGCTGAGCTTGC[G>C]ATCGAAGGAGCCACTCATCCTGGCGGGCGCTGCACCTCCCCAGGGCTGGCCTCCGCAGAG-3'
Protein context (NP_005211.1, residues 1-17): MSGSFD[Arg7Gly]KLSSILTDIS

ClinVar aggregate classification (germline): Uncertain significance. Review status: criteria provided, multiple submitters, no conflicts (2 of 4 stars). 2 submissions from 2 submitters: Uncertain significance (2). Last evaluated 2024-03-02.

Conditions:
Inborn genetic diseases. Identifiers: MedGen C0950123, MeSH D030342.

Allele frequency attached by ClinVar (database versions not stated): TOPMed below 0.00001; ExAC 0.00001.
gnomAD v4.1: 2 of 1,612,136 alleles (0.00012%); highest among the groups gnomAD compares: South Asian, 0.0011%; no homozygotes.

Submissions (2):

Labcorp Genetics (formerly Invitae), Labcorp
Classification: Uncertain significance. Last evaluated: 2024-03-02. Review status: criteria provided, single submitter. Criteria: Invitae Variant Classification Sherloc (09022015). Collection method: clinical testing. Allele origin: germline.
Comment: This sequence change replaces arginine, which is basic and polar, with glycine, which is neutral and non-polar, at codon 7 of the DLX3 protein (p.Arg7Gly). This variant is present in population databases (rs759271131, gnomAD 0.003%). This variant has not been reported in the literature in individuals affected with DLX3-related conditions. ClinVar contains an entry for this variant (Variation ID: 1940527). An algorithm developed to predict the effect of missense changes on protein structure and function (PolyPhen-2) suggests that this variant is likely to be tolerated. In summary, the available evidence is currently insufficient to determine the role of this variant in disease. Therefore, it has been classified as a Variant of Uncertain Significance.

Ambry Genetics
Classification: Uncertain significance for Inborn genetic diseases. Last evaluated: 2023-04-19. Review status: criteria provided, single submitter. Criteria: Ambry Variant Classification Scheme 2023. Collection method: clinical testing. Allele origin: germline.